The following is an entry in ClinVar:

NM_000180.4(GUCY2D):c.1838G>T (p.Gly613Val)

Gene: GUCY2D (guanylate cyclase 2D, retinal; plus strand). Cytogenetic location: 17p13.1.
Variant type: single nucleotide variant.
Coding change: c.1838G>T on transcript NM_000180.4 (MANE Select); coding-DNA position 1838, G replaced by T.
Protein change: p.Gly613Val; replaces glycine 613 with valine.
Molecular consequence: missense variant.
Genome position (GRCh38, 1-based): chr17:8,012,232, G>T. VCF-style: chr17-8012232-G-T. GRCh37 (hg19) VCF-style: chr17-7915550-G-T.
Other names: short protein forms G613V.
Identifiers: ClinVar variation 1470849 (VCV001470849.8), dbSNP rs2151802372, ClinGen allele CA397951493.

ClinVar aggregate classification (germline): Uncertain significance (1 of 4 stars; one submission).

Conditions:
Leber congenital amaurosis 1 (LCA1). Also called: AMAUROSIS CONGENITA OF LEBER I; RETINAL BLINDNESS, CONGENITAL; Congenital absence of the rods and cones; Leber's congenital tapetoretinal degeneration; Leber's congenital tapetoretinal dysplasia. Identifiers: Orphanet 65, MedGen C2931258, MONDO:0008764, OMIM 204000.
Cone-rod dystrophy 6 (CORD6). Also called: Cone dystrophy progressive; RETINAL CONE DYSTROPHY 2. Identifiers: Orphanet 1872, MedGen C1866293, MONDO:0011143, OMIM 601777.

Submission:

Labcorp Genetics (formerly Invitae), Labcorp
Classification: Uncertain significance for Leber congenital amaurosis 1; Cone-rod dystrophy 6. Last evaluated: 2024-10-25. Review status: criteria provided, single submitter. Criteria: Invitae Variant Classification Sherloc (09022015). Collection method: clinical testing. Allele origin: germline.
Comment: This sequence change replaces glycine, which is neutral and non-polar, with valine, which is neutral and non-polar, at codon 613 of the GUCY2D protein (p.Gly613Val). This variant is not present in population databases (gnomAD no frequency). This variant has not been reported in the literature in individuals affected with GUCY2D-related conditions. ClinVar contains an entry for this variant (Variation ID: 1470849). Invitae Evidence Modeling of protein sequence and biophysical properties (such as structural, functional, and spatial information, amino acid conservation, physicochemical variation, residue mobility, and thermodynamic stability) indicates that this missense variant is not expected to disrupt GUCY2D protein function with a negative predictive value of 95%. In summary, the available evidence is currently insufficient to determine the role of this variant in disease. Therefore, it has been classified as a Variant of Uncertain Significance.